The following is an entry in ClinVar:

ClinVar aggregate classification (germline): Likely benign. Review status: criteria provided, multiple submitters, no conflicts (2 of 4 stars). 5 submissions from 5 submitters: Likely benign (5). Last evaluated 2026-04-24.

Conditions:
HGSNAT-related disorder. Also called: HGSNAT-related condition.
Inborn genetic diseases. Identifiers: MedGen C0950123, MeSH D030342.

Submissions (5):

PreventionGenetics, part of Exact Sciences
Classification: Likely benign for HGSNAT-related condition. Last evaluated: 2026-04-24. Review status: criteria provided, single submitter. Criteria: ACMG Guidelines, 2015. Collection method: clinical testing. Allele origin: germline.
Comment: This variant is classified as likely benign based on ACMG/AMP sequence variant interpretation guidelines (Richards et al. 2015 PMID: 25741868, with internal and published modifications).

Blueprint Genetics
Classification: Likely benign. Last evaluated: 2024-11-27. Review status: criteria provided, single submitter. Criteria: ACMG Guidelines, 2015. Collection method: clinical testing. Allele origin: germline.

Ambry Genetics
Classification: Likely benign for Inborn genetic diseases. Last evaluated: 2024-06-07. Review status: criteria provided, single submitter. Criteria: Ambry Variant Classification Scheme 2023. Collection method: clinical testing. Allele origin: germline.

CeGaT Center for Human Genetics Tuebingen
Classification: Likely benign. Last evaluated: 2023-07-01. Review status: criteria provided, single submitter. Criteria: CeGaT Center For Human Genetics Tuebingen Variant Classification Criteria Version 2. Collection method: clinical testing. Allele origin: germline. Affected: yes. Observed: 2 variant alleles.
Comment: HGSNAT: BP4

Women's Health and Genetics/Laboratory Corporation of America, LabCorp
Classification: Likely benign. Last evaluated: 2019-02-20. Review status: criteria provided, single submitter. Criteria: LabCorp Variant Classification Summary - May 2015. Collection method: clinical testing. Allele origin: germline.
Comment: Variant summary: HGSNAT c.-8_9dup17 causes a duplication of nucleotides spanning the 5' UTR and the first 3 amino acids of the gene that would result in the generation of a nearby downstream alternative translation initiation codon (together with its consensus Kozak sequence). 5/5 computational tools predict no significant impact on normal splicing. However, these predictions have yet to be confirmed by functional studies. The variant allele was found at a frequency of 0.0013 in 26166 control chromosomes, predominantly within the Non-Finnish European subpopulation at a frequency of 0.002 in the gnomAD database. The observed variant frequency within Non-Finnish European control individuals in the gnomAD database is approximately 2 fold of the estimated maximal expected allele frequency for a pathogenic variant in HGSNAT causing Mucopolysaccharidosis Type IIIC (Sanfilippo Syndrome C) phenotype (0.001), strongly suggesting that the variant is a benign polymorphism found primarily in populations of Non-Finnish European origin. To our knowledge, no occurrence of c.-8_9dup17 in individuals affected with Mucopolysaccharidosis Type IIIC (Sanfilippo Syndrome C) and no experimental evidence demonstrating its impact on protein function have been reported. No other clinical diagnostic laboratories have submitted clinical-significance assessments for this variant to ClinVar after 2014. Based on the evidence outlined above, the variant was classified as likely benign.

NM_152419.3(HGSNAT):c.-8_9dup (p.Ala4delinsArgArgAlaTer)

Genes: HGSNAT (heparan-alpha-glucosaminide N-acetyltransferase; plus strand), LOC130000316 (ATAC-STARR-seq lymphoblastoid silent region 19164; plus strand). Cytogenetic location: 8p11.21.
Variant type: Duplication.
Coding change: c.-8_9dup on transcript NM_152419.3 (MANE Select); 8 bases upstream of the start codon through coding-DNA position 9, 17 bases duplicated (CGGCGGGCATGAGCGGG).
Protein change: p.Ala4delinsArgArgAlaTer.
Molecular consequence: nonsense, initiator codon variant. On other transcripts: 5 prime UTR variant (1).
Genome position (GRCh38, 1-based): chr8:43,140,489-43,140,505, CGGCGGGCATGAGCGGG duplicated; duplicating any 17 consecutive bases within chr8:43,140,482-43,140,505 gives the same sequence; the c. name uses the placement nearest the transcript's 3' end. VCF-style (leftmost placement, unchanged base first): chr8-43140481-C-CGAGCGGGCGGCGGGCAT. GRCh37 (hg19) VCF-style: chr8-42995624-C-CGAGCGGGCGGCGGGCAT.
Other names: c.-8_9dup, p.Ala4delinsArgArgAlaTer (NM_001363227.2, NM_001363228.2); c.-841_-825dup (NM_001363229.2); c.-8_9dupCGGCGGGCATGAGCGGG (NM_152419.2).
Identifiers: ClinVar variation 496551 (VCV000496551.30), dbSNP rs1215061130, ClinGen allele CA460574303.